The following is an entry in ClinVar:

ClinVar aggregate classification (germline): Uncertain significance. Review status: criteria provided, multiple submitters, no conflicts (2 of 4 stars). 3 submissions from 3 submitters: Uncertain significance (3). Last evaluated 2024-08-06.

Conditions:
Hereditary cancer-predisposing syndrome. Also called: Hereditary Cancer Syndrome; Neoplastic Syndromes, Hereditary; Tumor predisposition; Hereditary neoplastic syndrome. Identifiers: Orphanet 140162, MedGen C0027672, MeSH D009386, MONDO:0015356.
Classic or attenuated familial adenomatous polyposis. Identifiers: MedGen CN372698, MONDO:0021057.

Submissions (3):

All of Us Research Program, National Institutes of Health
Classification: Uncertain significance for Classic or attenuated familial adenomatous polyposis. Last evaluated: 2024-08-06. Review status: criteria provided, single submitter. Criteria: ACMG Guidelines, 2015. Collection method: clinical testing. Allele origin: germline. Inheritance: Autosomal dominant inheritance. Observed: 1 variant allele, 1 heterozygote.
Comment: This study involves interpretation of variants in research participants for the purpose of population health screening. Participant phenotype was not available at the time of variant classification. Additional details can be found in publication PMID: 35346344, PMCID: PMC8962531

Color Diagnostics, LLC DBA Color Health
Classification: Uncertain significance for Hereditary cancer-predisposing syndrome. Last evaluated: 2023-12-05. Review status: criteria provided, single submitter. Criteria: ACMG Guidelines, 2015. Collection method: clinical testing. Allele origin: germline.
Comment: This missense variant replaces leucine with valine at codon 1900 of the APC protein. Computational prediction suggests that this variant may not impact protein structure and function (internally defined REVEL score threshold <= 0.5, PMID: 27666373). To our knowledge, functional studies have not been reported for this variant. This variant has not been reported in individuals affected with APC-related disorders in the literature. This variant has not been identified in the general population by the Genome Aggregation Database (gnomAD). The available evidence is insufficient to determine the role of this variant in disease conclusively. Therefore, this variant is classified as a Variant of Uncertain Significance.

Ambry Genetics
Classification: Uncertain significance for Hereditary cancer-predisposing syndrome. Last evaluated: 2019-05-07. Review status: criteria provided, single submitter. Criteria: Ambry Variant Classification Scheme 2023. Collection method: clinical testing. Allele origin: germline.
Comment: The p.L1900V variant (also known as c.5698C>G), located in coding exon 15 of the APC gene, results from a C to G substitution at nucleotide position 5698. The leucine at codon 1900 is replaced by valine, an amino acid with highly similar properties. This amino acid position is not well conserved in available vertebrate species. In addition, in silico predictors for this gene do not accurately predict pathogenicity. Since supporting evidence is limited at this time, the clinical significance of this alteration remains unclear.

NM_000038.6(APC):c.5698C>G (p.Leu1900Val)

Gene: APC (APC regulator of Wnt signaling pathway; plus strand). Cytogenetic location: 5q22.2.
Variant type: single nucleotide variant.
Coding change: c.5698C>G on transcript NM_000038.6 (MANE Select); coding-DNA position 5698, C replaced by G.
Protein change: p.Leu1900Val; replaces leucine 1900 with valine.
Molecular consequence: missense variant.
Genome position (GRCh38, 1-based): chr5:112,841,292, C>G. VCF-style: chr5-112841292-C-G. GRCh37 (hg19) VCF-style: chr5-112176989-C-G.
Other names: c.5698C>G, p.Leu1900Val (NM_001127510.3, NM_001354895.2); c.5644C>G, p.Leu1882Val (NM_001127511.3); c.5752C>G, p.Leu1918Val (NM_001354896.2); c.5728C>G, p.Leu1910Val (NM_001354897.2); c.5623C>G, p.Leu1875Val (NM_001354898.2); c.5614C>G, p.Leu1872Val (NM_001354899.2); c.5575C>G, p.Leu1859Val (NM_001354900.2); c.5521C>G, p.Leu1841Val (NM_001354901.2); and 5 more; short protein forms L1882V, L1900V, L1809V, L1841V, L1875V, L1918V, L1617V, L1774V.
Identifiers: ClinVar variation 490316 (VCV000490316.11), dbSNP rs944332850, ClinGen allele CA16033806.